The following is an entry in ClinVar:

NM_002470.4(MYH3):c.1924G>T (p.Gly642Cys)

Gene: MYH3 (myosin heavy chain 3; minus strand). Cytogenetic location: 17p13.1.
Variant type: single nucleotide variant.
Coding change: c.1924G>T on transcript NM_002470.4 (MANE Select); coding-DNA position 1924, G replaced by T.
Protein change: p.Gly642Cys; replaces glycine 642 with cysteine.
Molecular consequence: missense variant.
Genome position (GRCh38, 1-based): chr17:10,642,275, C>A on the plus strand (G>T on the coding strand, the complement: MYH3 is on the minus strand). VCF-style: chr17-10642275-C-A. GRCh37 (hg19) VCF-style: chr17-10545592-C-A.
Other names: short protein forms G642C.
Identifiers: ClinVar variation 3634453 (VCV003634453.2).
Genomic context (GRCh38, chr17:10,642,275, plus strand): 5'-GCAAATAAACTTGTATTTTTCTTACCCTGAAAAGGGCAGAGACAGTTTGGAAGGAAGAAC[C>A]CTTCTTCTTGGCAACTTTCTTCTTTCCACTGTCAGCTGAAAGCAATAAGGGAGGGCACGT-3'
Protein context (NP_002461.2, residues 632-652): SGKKKVAKKK[Gly642Cys]SSFQTVSALF

ClinVar aggregate classification (germline): Uncertain significance (1 of 4 stars; one submission).

gnomAD v4.1: 1 of 1,614,040 alleles (0.000062%); highest among the groups gnomAD compares: South Asian, 0.0011%; no homozygotes.

Submission:

Labcorp Genetics (formerly Invitae), Labcorp
Classification: Uncertain significance. Last evaluated: 2024-02-14. Review status: criteria provided, single submitter. Criteria: Invitae Variant Classification Sherloc (09022015). Collection method: clinical testing. Allele origin: germline.
Comment: This sequence change replaces glycine, which is neutral and non-polar, with cysteine, which is neutral and slightly polar, at codon 642 of the MYH3 protein (p.Gly642Cys). This variant is not present in population databases (gnomAD no frequency). This variant has not been reported in the literature in individuals affected with MYH3-related conditions. Advanced modeling of protein sequence and biophysical properties (such as structural, functional, and spatial information, amino acid conservation, physicochemical variation, residue mobility, and thermodynamic stability) has been performed at Invitae for this missense variant, however the output from this modeling did not meet the statistical confidence thresholds required to predict the impact of this variant on MYH3 protein function. In summary, the available evidence is currently insufficient to determine the role of this variant in disease. Therefore, it has been classified as a Variant of Uncertain Significance.